The following is an entry in ClinVar:

ClinVar aggregate classification (germline): Uncertain significance (1 of 4 stars; one submission).

Submission:

Labcorp Genetics (formerly Invitae), Labcorp
Classification: Uncertain significance. Last evaluated: 2024-09-22. Review status: criteria provided, single submitter. Criteria: Invitae Variant Classification Sherloc (09022015). Collection method: clinical testing. Allele origin: germline.
Comment: This sequence change replaces threonine, which is neutral and polar, with alanine, which is neutral and non-polar, at codon 793 of the NTRK2 protein (p.Thr793Ala). This variant is not present in population databases (gnomAD no frequency). This variant has not been reported in the literature in individuals affected with NTRK2-related conditions. An algorithm developed to predict the effect of missense changes on protein structure and function (PolyPhen-2) suggests that this variant is likely to be disruptive. In summary, the available evidence is currently insufficient to determine the role of this variant in disease. Therefore, it has been classified as a Variant of Uncertain Significance.

NM_006180.6(NTRK2):c.2377A>G (p.Thr793Ala)

Gene: NTRK2 (neurotrophic receptor tyrosine kinase 2; plus strand). Cytogenetic location: 9q21.33.
Variant type: single nucleotide variant.
Coding change: c.2377A>G on transcript NM_006180.6 (MANE Select); coding-DNA position 2377, A replaced by G.
Protein change: p.Thr793Ala; replaces threonine 793 with alanine.
Molecular consequence: missense variant.
Genome position (GRCh38, 1-based): chr9:85,021,297, A>G. VCF-style: chr9-85021297-A-G. GRCh37 (hg19) VCF-style: chr9-87636212-A-G.
Other names: c.2329A>G, p.Thr777Ala (NM_001018064.3, NM_001369532.1, NM_001369533.1); c.2293A>G, p.Thr765Ala (NM_001369534.1); c.1861A>G, p.Thr621Ala (NM_001369535.1); c.1909A>G, p.Thr637Ala (NM_001369536.1); short protein forms T793A, T621A, T777A, T637A, T765A.
Identifiers: ClinVar variation 3650787 (VCV003650787.2).
Genomic context (GRCh38, chr9:85,021,297, plus strand): 5'-TTGATCTCCATCCAGGTGATAGAGTGTATCACTCAGGGCCGAGTCCTGCAGCGACCCCGC[A>G]CGTGCCCCCAGGAGGTGTATGAGCTGATGCTGGGGTGCTGGCAGCGAGAGCCCCACATGA-3'
Protein context (NP_006171.2, residues 783-803): TQGRVLQRPR[Thr793Ala]CPQEVYELML